The following is an entry in ClinVar:

NM_004260.4(RECQL4):c.1058A>G (p.Tyr353Cys)

Gene: RECQL4 (RecQ like helicase 4; minus strand). Cytogenetic location: 8q24.3.
Variant type: single nucleotide variant.
Coding change: c.1058A>G on transcript NM_004260.4 (MANE Select); coding-DNA position 1058, A replaced by G.
Protein change: p.Tyr353Cys; replaces tyrosine 353 with cysteine.
Molecular consequence: missense variant.
Genome position (GRCh38, 1-based): chr8:144,516,061, T>C on the plus strand (A>G on the coding strand, the complement: RECQL4 is on the minus strand). VCF-style: chr8-144516061-T-C. GRCh37 (hg19) VCF-style: chr8-145741445-T-C.
Other names: short protein forms Y353C.
Identifiers: ClinVar variation 1494441 (VCV001494441.6), dbSNP rs1564805480, ClinGen allele CA372688205.
Genomic context (GRCh38, chr8:144,516,061, plus strand): 5'-AGCCTGCTACGGAGTGCCCGGCCCCGCACGTAGTGTTTCTGCTTCATGTTGAGCCGTACG[T>C]AATTGCCCCTGTCATGGCGGGCCAGCCGAGGGAAGATGTGCAGGGGGGCTGTGCCCTCAG-3'
Protein context (NP_004251.4, residues 343-363): PRLARHDRGN[Tyr353Cys]VRLNMKQKHY

ClinVar aggregate classification (germline): Uncertain significance (1 of 4 stars; one submission).

Conditions:
Baller-Gerold syndrome (BGS). Also called: CRANIOSYNOSTOSIS WITH RADIAL DEFECTS. Identifiers: Orphanet 1225, MedGen C0265308, MONDO:0009039, OMIM 218600.

Submission:

Labcorp Genetics (formerly Invitae), Labcorp
Classification: Uncertain significance for Baller-Gerold syndrome. Last evaluated: 2021-05-07. Review status: criteria provided, single submitter. Criteria: Invitae Variant Classification Sherloc (09022015). Collection method: clinical testing. Allele origin: germline.
Comment: In summary, the available evidence is currently insufficient to determine the role of this variant in disease. Therefore, it has been classified as a Variant of Uncertain Significance. Experimental studies and prediction algorithms are not available or were not evaluated, and the functional significance of this variant is currently unknown. This variant has not been reported in the literature in individuals with RECQL4-related conditions. This variant is not present in population databases (ExAC no frequency). This sequence change replaces tyrosine with cysteine at codon 353 of the RECQL4 protein (p.Tyr353Cys). The tyrosine residue is highly conserved and there is a large physicochemical difference between tyrosine and cysteine.